The following is an entry in ClinVar:

ClinVar aggregate classification (germline): Uncertain significance (1 of 4 stars; one submission).

gnomAD v4.1: 3 of 1,610,606 alleles (0.00019%); highest among the groups gnomAD compares: Non-Finnish European, 0.00025%; no homozygotes.

Submission:

Women's Health and Genetics/Laboratory Corporation of America, LabCorp
Classification: Uncertain significance. Last evaluated: 2024-09-11. Review status: criteria provided, single submitter. Criteria: LabCorp Variant Classification Summary - May 2015. Collection method: clinical testing. Allele origin: germline.
Comment: Variant summary: CHD1 c.830T>G (p.Phe277Cys) results in a non-conservative amino acid change located in the Chromo/chromo shadow domain (IPR000953) of the encoded protein sequence. Four of five in-silico tools predict a damaging effect of the variant on protein function. The variant was absent in 247454 control chromosomes (gnomAD). The available data on variant occurrences in the general population are insufficient to allow any conclusion about variant significance. To our knowledge, no occurrence of c.830T>G in individuals affected with Pilarowski-Bjornsson Syndrome and no experimental evidence demonstrating its impact on protein function have been reported. No submitters have cited clinical-significance assessments for this variant to ClinVar. Based on the evidence outlined above, the variant was classified as uncertain significance.

NM_001270.4(CHD1):c.830T>G (p.Phe277Cys)

Gene: CHD1 (chromodomain helicase DNA binding protein 1; minus strand). Cytogenetic location: 5q21.1.
Variant type: single nucleotide variant.
Coding change: c.830T>G on transcript NM_001270.4 (MANE Select); coding-DNA position 830, T replaced by G.
Protein change: p.Phe277Cys; replaces phenylalanine 277 with cysteine.
Molecular consequence: missense variant. On other transcripts: non-coding transcript variant (2).
Genome position (GRCh38, 1-based): chr5:98,900,840, A>C on the plus strand (T>G on the coding strand, the complement: CHD1 is on the minus strand). VCF-style: chr5-98900840-A-C. GRCh37 (hg19) VCF-style: chr5-98236544-A-C.
Other names: c.830T>G, p.Phe277Cys (NM_001364113.3, NM_001376194.2); short protein forms F277C.
Identifiers: ClinVar variation 3374876 (VCV003374876.1).